The following is an entry in ClinVar:

ClinVar aggregate classification (germline): Uncertain significance (1 of 4 stars; one submission).

Conditions:
Walker-Warburg congenital muscular dystrophy. Also called: Muscular dystrophy-dystroglycanopathy, type A; Walker-Warburg syndrome. Identifiers: Orphanet 899, MedGen C0265221, MONDO:0000171.

Submission:

Labcorp Genetics (formerly Invitae), Labcorp
Classification: Uncertain significance for Walker-Warburg congenital muscular dystrophy. Last evaluated: 2020-11-27. Review status: criteria provided, single submitter. Criteria: Invitae Variant Classification Sherloc (09022015). Collection method: clinical testing. Allele origin: germline.
Comment: This sequence change creates a premature translational stop signal (p.Pro430Leufs*2) in the FKTN gene. While this is not anticipated to result in nonsense mediated decay, it is expected to disrupt the last 32 amino acid(s) of the FKTN protein. This variant is not present in population databases (ExAC no frequency). This variant has not been reported in the literature in individuals with FKTN-related conditions. In summary, the available evidence is currently insufficient to determine the role of this variant in disease. Therefore, it has been classified as a Variant of Uncertain Significance.

NM_001079802.2(FKTN):c.1287del (p.Pro430fs)

Gene: FKTN (fukutin; plus strand). Cytogenetic location: 9q31.2.
Variant type: Deletion.
Coding change: c.1287del on transcript NM_001079802.2 (MANE Select); coding-DNA position 1287, one base deleted (T; older notation c.1287delT).
Protein change: p.Pro430fs; shifts the reading frame from proline 430.
Molecular consequence: frameshift variant. On other transcripts: 3 prime UTR variant (1), non-coding transcript variant (2), intron variant (1).
Genome position (GRCh38, 1-based): chr9:105,635,165, T deleted; the last of 2 consecutive T bases (chr9:105,635,164-105,635,165); deleting either gives the same sequence. VCF-style (leftmost placement, unchanged base first): chr9-105635163-AT-A. GRCh37 (hg19) VCF-style: chr9-108397444-AT-A.
Other names: c.1287del, p.Pro430fs (NM_001351496.2, NM_006731.2); c.1218del, p.Pro407fs (NM_001351497.2); c.*79del (NM_001351498.2); c.891del, p.Pro298fs (NM_001351499.2, NM_001351500.2, NM_001351501.2 and 1 more transcripts); c.1270+17del (NM_001198963.2); short protein forms P298fs, P407fs, P430fs.
Identifiers: ClinVar variation 1483373 (VCV001483373.8), dbSNP rs2133452242, ClinGen allele CA2573143716.